The following is an entry in ClinVar:

ClinVar aggregate classification (germline): Likely pathogenic (1 of 4 stars; one submission).

Conditions:
Glutathione synthetase deficiency with 5-oxoprolinuria. Also called: PYROGLUTAMIC ACIDURIA; 5-Oxoprolinuria; Gluthathione synthetase deficiency; 5-OXOPROLINURIA DUE TO GLUTATHIONE SYNTHETASE DEFICIENCY; Reduced glutathione synthetase level. Identifiers: Orphanet 289846, MedGen C0398746, MONDO:0009947, OMIM 266130, HP:0003343.

Submission:

Labcorp Genetics (formerly Invitae), Labcorp
Classification: Likely pathogenic for Glutathione synthetase deficiency with 5-oxoprolinuria. Last evaluated: 2023-08-04. Review status: criteria provided, single submitter. Criteria: Invitae Variant Classification Sherloc (09022015). Collection method: clinical testing. Allele origin: germline.
Comment: This sequence change affects an acceptor splice site in intron 6 of the GSS gene. It is expected to disrupt RNA splicing. Variants that disrupt the donor or acceptor splice site typically lead to a loss of protein function (PMID: 16199547), and loss-of-function variants in GSS are known to be pathogenic (PMID: 12638941, 15717202). This variant is not present in population databases (gnomAD no frequency). This variant has not been reported in the literature in individuals affected with GSS-related conditions. Algorithms developed to predict the effect of sequence changes on RNA splicing suggest that this variant may disrupt the consensus splice site. In summary, the currently available evidence indicates that the variant is pathogenic, but additional data are needed to prove that conclusively. Therefore, this variant has been classified as Likely Pathogenic.

Literature cited by the submitters: PubMed 16199547; PubMed 12638941; PubMed 15717202.

NM_000178.4(GSS):c.609-2A>C

Gene: GSS (glutathione synthetase; minus strand). Cytogenetic location: 20q11.22.
Variant type: single nucleotide variant.
Coding change: c.609-2A>C on transcript NM_000178.4 (MANE Select); the canonical splice acceptor site of the intron before coding-DNA position 609, A replaced by C.
Molecular consequence: splice acceptor variant.
Genome position (GRCh38, 1-based): chr20:34,937,025, T>G on the plus strand (A>C on the coding strand, the complement: GSS is on the minus strand). VCF-style: chr20-34937025-T-G. GRCh37 (hg19) VCF-style: chr20-33524828-T-G.
Other names: c.609-2A>C (NM_001322494.1, NM_001322495.1).
Identifiers: ClinVar variation 2750049 (VCV002750049.3), dbSNP rs2519026756, ClinGen allele CA408702928.
Genomic context (GRCh38, chr20:34,937,025, plus strand): 5'-TGGCACGCTGGTCAAATATGTTTCTTTCCTTCTCTTGAGCAATCAGTAGCACCAGAGCAC[T>G]GGGGAAAGAGCACAGGTGGCCCGAGGCTACTATAGAACTTGTTCTTCTTTTGTTTCTCCC-3'